The following is an entry in ClinVar:

ClinVar aggregate classification (germline): Likely benign. Review status: criteria provided, single submitter (1 of 4 stars). 2 submissions from 2 submitters: Likely benign (1). 1 of the submissions does not count toward it. Last evaluated 2025-08-17.

Conditions:
KIAA0586-related disorder. Also called: KIAA0586- Related disorders; KIAA0586-related condition.
Short-rib thoracic dysplasia 14 with polydactyly (SRTD14). Identifiers: Orphanet 397715, MedGen C4225286, MONDO:0014688, OMIM 616546.
Joubert syndrome 23 (JBTS23). Identifiers: Orphanet 475, MedGen C4084822, MONDO:0014664, OMIM 616490.

Allele frequency attached by ClinVar (database versions not stated): gnomAD exomes 0.00003; TOPMed 0.00003; gnomAD 0.00004 and 0.00005.

Submissions (2):

Labcorp Genetics (formerly Invitae), Labcorp
Classification: Likely benign for Joubert syndrome 23; Short-rib thoracic dysplasia 14 with polydactyly. Last evaluated: 2025-08-17. Review status: criteria provided, single submitter. Criteria: Invitae Variant Classification Sherloc (09022015). Collection method: clinical testing. Allele origin: germline.

PreventionGenetics, part of Exact Sciences
Classification: Likely benign for KIAA0586-related condition. Last evaluated: 2019-10-14. Review status: no assertion criteria provided. Collection method: clinical testing. Allele origin: germline. Not counted in ClinVar's aggregate classification.
Comment: This variant is classified as likely benign based on ACMG/AMP sequence variant interpretation guidelines (Richards et al. 2015 PMID: 25741868, with internal and published modifications).

NM_001329943.3(KIAA0586):c.3858+10G>A

Gene: KIAA0586 (KIAA0586; plus strand). Cytogenetic location: 14q23.1.
Variant type: single nucleotide variant.
Coding change: c.3858+10G>A on transcript NM_001329943.3 (MANE Select); 10 bases into the intron after coding-DNA position 3858, G replaced by A.
Molecular consequence: intron variant.
Genome position (GRCh38, 1-based): chr14:58,490,250, G>A. VCF-style: chr14-58490250-G-A. GRCh37 (hg19) VCF-style: chr14-58956968-G-A.
Other names: c.4017+10G>A (NM_001244189.1, NM_001244189.2); c.3813+10G>A (NM_001244190.2); c.3726+10G>A (NM_001244192.2); c.3603+10G>A (NM_001244191.2, NM_001364701.2, NM_001329945.2 and 1 more transcripts); c.3858+10G>A (NM_001329944.2, NM_001329946.2, NM_001329947.2); c.3630+10G>A (NM_014749.5); c.3438+10G>A (NM_001244193.2).
Identifiers: ClinVar variation 1114799 (VCV001114799.11), dbSNP rs1023641988, ClinGen allele CA261649134.